The following is an entry in ClinVar:

NM_000297.4(PKD2):c.586G>A (p.Gly196Arg)

Genes: PKD2 (polycystin 2, transient receptor potential cation channel; plus strand), LOC129992813 (ATAC-STARR-seq lymphoblastoid silent region 15559; plus strand). Cytogenetic location: 4q22.1.
Variant type: single nucleotide variant.
Coding change: c.586G>A on transcript NM_000297.4 (MANE Select); coding-DNA position 586, G replaced by A.
Protein change: p.Gly196Arg; replaces glycine 196 with arginine.
Molecular consequence: missense variant. On other transcripts: non-coding transcript variant (1).
Genome position (GRCh38, 1-based): chr4:88,008,319, G>A. VCF-style: chr4-88008319-G-A. GRCh37 (hg19) VCF-style: chr4-88929471-G-A.
Other names: short protein forms G196R.
Identifiers: ClinVar variation 997357 (VCV000997357.1), dbSNP rs756765752, ClinGen allele CA357627231.
Genomic context (GRCh38, chr4:88,008,319, plus strand): 5'-CGCCACCTCCCCCTGGAAGGGCAGCCGCCCCGAGTGGCCTGGGCGGAGAGGCTGGTTCGC[G>A]GGCTGCGAGGTAAGAGCGCGCGACCCGCAGCGGCAGATGCACGAACCAGAACGGCCGGCG-3'
Protein context (NP_000288.1, residues 186-206): RVAWAERLVR[Gly196Arg]LRGLWGTRLM

ClinVar aggregate classification (germline): Uncertain significance (0 of 4 stars; one submission).

Conditions:
Polycystic kidney disease. Also called: Polycystic kidney dysplasia; Kidney, Polycystic. Identifiers: MedGen C0022680, MeSH D007690, MONDO:0020642, HP:0000113.

gnomAD v4.1: 1 of 1,512,326 alleles (0.000066%); highest among the groups gnomAD compares: Non-Finnish European, 0.000088%; no homozygotes.

Submission:

Department of Pathology and Laboratory Medicine, Sinai Health System
Classification: Uncertain significance for Polycystic Kidney disease. Review status: no assertion criteria provided. Collection method: clinical testing. Allele origin: unknown. Affected: yes. Study: The Canadian Open Genetics Repository (COGR).
Comment: The PKD2 p.Gly196Arg variant was not identified in the literature nor was it identified in the dbSNP, ClinVar, LOVD 3.0, ADPKD Mutation Database, PKD1-LOVD, Exome Aggregation Consortium (August 8th 2016), or the Genome Aggregation Database (Feb 27, 2017). The p.Gly196 residue is conserved in mammals but not in more distantly related organisms however four out of five computational analyses (PolyPhen-2, SIFT, AlignGVGD, BLOSUM, MutationTaster) do not suggest a high likelihood of impact to the protein; this information is not predictive enough to rule out pathogenicity. The variant occurs outside of the splicing consensus sequence and in silico or computational prediction software programs (SpliceSiteFinder, MaxEntScan, NNSPLICE, GeneSplicer) do not predict a difference in splicing. In summary, based on the above information the clinical significance of this variant cannot be determined with certainty at this time. This variant is classified as a variant of uncertain significance.